The following is an entry in ClinVar:

NM_001374736.1(DST):c.19441G>A (p.Val6481Ile)

Gene: DST (dystonin; minus strand). Cytogenetic location: 6p12.1.
Variant type: single nucleotide variant.
Coding change: c.19441G>A on transcript NM_001374736.1 (MANE Select); coding-DNA position 19441, G replaced by A.
Protein change: p.Val6481Ile; replaces valine 6481 with isoleucine.
Molecular consequence: missense variant.
Genome position (GRCh38, 1-based): chr6:56,506,466, C>T on the plus strand (G>A on the coding strand, the complement: DST is on the minus strand). VCF-style: chr6-56506466-C-T. GRCh37 (hg19) VCF-style: chr6-56371264-C-T.
Other names: c.13084G>A, p.Val4362Ile (NM_001144769.5); c.12670G>A, p.Val4224Ile (NM_001144770.2); c.19441G>A, p.Val6481Ile (NM_001374722.1); c.18481G>A, p.Val6161Ile (NM_001374729.1); c.12223G>A, p.Val4075Ile (NM_001374730.1); c.19468G>A, p.Val6490Ile (NM_001374734.1); c.12550G>A, p.Val4184Ile (NM_001386100.1, NM_183380.4); c.11572G>A, p.Val3858Ile (NM_015548.5); short protein forms V4075I, V4224I, V4184I, V3858I, V4362I, V6161I, V6481I, V6490I.
Identifiers: ClinVar variation 1434471 (VCV001434471.4), dbSNP rs897722293, ClinGen allele CA139194978.

ClinVar aggregate classification (germline): Uncertain significance (1 of 4 stars; one submission).

Conditions:
Hereditary sensory and autonomic neuropathy type 6. Also called: HSAN VI; Neuropathy, hereditary sensory and autonomic, type VI. Identifiers: Orphanet 314381, MedGen C3539003, MONDO:0013839, OMIM 614653.
Epidermolysis bullosa simplex 3, localized or generalized intermediate, with BP230 deficiency (EBS3). Also called: Epidermolysis bullosa simplex, autosomal recessive 2; Epidermolysis bullosa simplex due to BP230 deficiency. Identifiers: Orphanet 412181, MedGen C3809470, MONDO:0014180, OMIM 615425.

Allele frequency attached by ClinVar (database versions not stated): gnomAD 0.00002; gnomAD exomes 0.00002; TOPMed 0.00003.
gnomAD v4.1: 23 of 1,612,578 alleles (0.0014%); highest among the groups gnomAD compares: Admixed American, 0.0084%; no homozygotes.

Submission:

Labcorp Genetics (formerly Invitae), Labcorp
Classification: Uncertain significance for Epidermolysis bullosa simplex 3, localized or generalized intermediate, with BP230 deficiency; Hereditary sensory and autonomic neuropathy type 6. Last evaluated: 2022-07-12. Review status: criteria provided, single submitter. Criteria: Invitae Variant Classification Sherloc (09022015). Collection method: clinical testing. Allele origin: germline.
Comment: In summary, the available evidence is currently insufficient to determine the role of this variant in disease. Therefore, it has been classified as a Variant of Uncertain Significance. Experimental studies and prediction algorithms are not available or were not evaluated, and the functional significance of this variant is currently unknown. This variant has not been reported in the literature in individuals affected with DST-related conditions. This variant is present in population databases (no rsID available, gnomAD 0.01%). This sequence change replaces valine, which is neutral and non-polar, with isoleucine, which is neutral and non-polar, at codon 3858 of the DST protein (p.Val3858Ile). The DST gene has multiple clinically relevant transcripts. This variant occurs in alternate transcript NM_015548.4, and corresponds to NM_001723.5:c.*109051G>A in the primary transcript.